The following is an entry in ClinVar:

ClinVar aggregate classification (germline): Uncertain significance. Review status: criteria provided, multiple submitters, no conflicts (2 of 4 stars). 2 submissions from 2 submitters: Uncertain significance (2). Last evaluated 2025-04-14.

Conditions:
Hypertrophic cardiomyopathy. Also called: HYPERTROPHIC MYOCARDIOPATHY. Identifiers: Orphanet 217569, MedGen C0007194, MeSH D002312, MONDO:0005045, HP:0001639.
Primary dilated cardiomyopathy (DCM). Also called: Dilated Cardiomyopathy. Identifiers: Orphanet 217604, MedGen C0007193, MeSH D002311, MONDO:0005021, HP:0001644. Inheritance: Various modes of inheritance.

Allele frequency attached by ClinVar (database versions not stated): gnomAD exomes 0.00001; ExAC 0.00002.
gnomAD v4.1: 18 of 1,610,702 alleles (0.0011%); highest among the groups gnomAD compares: South Asian, 0.0055%; 1 homozygote.

Submissions (2):

Ambry Genetics
Classification: Uncertain significance. Last evaluated: 2025-04-14. Review status: criteria provided, single submitter. Criteria: Ambry Variant Classification Scheme 2023. Collection method: clinical testing. Allele origin: germline.
Comment: The p.G300D variant (also known as c.899G>A), located in coding exon 7 of the PDLIM3 gene, results from a G to A substitution at nucleotide position 899. The glycine at codon 300 is replaced by aspartic acid, an amino acid with similar properties. This amino acid position is conserved. In addition, this alteration is predicted to be deleterious by in silico analysis. Based on the available evidence, the clinical significance of this variant remains unclear.

Labcorp Genetics (formerly Invitae), Labcorp
Classification: Uncertain significance for Hypertrophic cardiomyopathy; Primary dilated cardiomyopathy. Last evaluated: 2022-10-26. Review status: criteria provided, single submitter. Criteria: Invitae Variant Classification Sherloc (09022015). Collection method: clinical testing. Allele origin: germline.
Comment: This sequence change replaces glycine, which is neutral and non-polar, with aspartic acid, which is acidic and polar, at codon 300 of the PDLIM3 protein (p.Gly300Asp). This variant is present in population databases (rs745737342, gnomAD 0.007%). This variant has not been reported in the literature in individuals affected with PDLIM3-related conditions. Algorithms developed to predict the effect of missense changes on protein structure and function (SIFT, PolyPhen-2, Align-GVGD) all suggest that this variant is likely to be disruptive. In summary, the available evidence is currently insufficient to determine the role of this variant in disease. Therefore, it has been classified as a Variant of Uncertain Significance.

NM_014476.6(PDLIM3):c.899G>A (p.Gly300Asp)

Gene: PDLIM3 (PDZ and LIM domain 3; minus strand). Cytogenetic location: 4q35.1.
Variant type: single nucleotide variant.
Coding change: c.899G>A on transcript NM_014476.6 (MANE Select); coding-DNA position 899, G replaced by A.
Protein change: p.Gly300Asp; replaces glycine 300 with aspartic acid.
Molecular consequence: missense variant. On other transcripts: non-coding transcript variant (1).
Genome position (GRCh38, 1-based): chr4:185,504,481, C>T on the plus strand (G>A on the coding strand, the complement: PDLIM3 is on the minus strand). VCF-style: chr4-185504481-C-T. GRCh37 (hg19) VCF-style: chr4-186425635-C-T.
Other names: c.755G>A, p.Gly252Asp (NM_001114107.5); c.635G>A, p.Gly212Asp (NM_001257962.2); c.398G>A, p.Gly133Asp (NM_001257963.2); c.899G>A (NM_014476.4); short protein forms G212D, G300D, G133D, G252D.
Identifiers: ClinVar variation 2197429 (VCV002197429.5), dbSNP rs745737342, ClinGen allele CA3159652.